The following is an entry in ClinVar:

ClinVar aggregate classification (germline): Uncertain significance (1 of 4 stars; one submission).

Conditions:
Hereditary cancer-predisposing syndrome. Also called: Neoplastic Syndromes, Hereditary; Tumor predisposition; Hereditary neoplastic syndrome; Hereditary Cancer Syndrome. Identifiers: Orphanet 140162, MedGen C0027672, MeSH D009386, MONDO:0015356.

Submission:

Ambry Genetics
Classification: Uncertain significance for Hereditary cancer-predisposing syndrome. Last evaluated: 2026-08-29. Review status: criteria provided, single submitter. Criteria: Ambry Variant Classification Scheme 2023. Collection method: clinical testing. Allele origin: germline.
Comment: The p.C701G variant (also known as c.2101T>G), located in coding exon 7 of the AXIN2 gene, results from a T to G substitution at nucleotide position 2101. The cysteine at codon 701 is replaced by glycine, an amino acid with highly dissimilar properties. This amino acid position is conserved. In addition, this alteration is predicted to be deleterious by in silico analysis. Based on the available evidence, the clinical significance of this variant remains unclear.

NM_004655.4(AXIN2):c.2101T>G (p.Cys701Gly)

Gene: AXIN2 (axin 2; minus strand). Cytogenetic location: 17q24.1.
Variant type: single nucleotide variant.
Coding change: c.2101T>G on transcript NM_004655.4 (MANE Select); coding-DNA position 2101, T replaced by G.
Protein change: p.Cys701Gly; replaces cysteine 701 with glycine.
Molecular consequence: missense variant.
Genome position (GRCh38, 1-based): chr17:65,536,360, A>C on the plus strand (T>G on the coding strand, the complement: AXIN2 is on the minus strand). VCF-style: chr17-65536360-A-C. GRCh37 (hg19) VCF-style: chr17-63532478-A-C.
Other names: c.1906T>G, p.Cys636Gly (NM_001363813.1); short protein forms C701G, C636G.
Identifiers: ClinVar variation 5032678 (VCV005032678.1).